The following is an entry in ClinVar:

ClinVar aggregate classification (germline): Uncertain significance (1 of 4 stars; one submission).

gnomAD v4.1: 4 of 1,614,070 alleles (0.00025%); highest among the groups gnomAD compares: African/African-American, 0.0053%; no homozygotes.

Submission:

Labcorp Genetics (formerly Invitae), Labcorp
Classification: Uncertain significance. Last evaluated: 2025-08-02. Review status: criteria provided, single submitter. Criteria: Invitae Variant Classification Sherloc (09022015). Collection method: clinical testing. Allele origin: germline.
Comment: This sequence change replaces histidine, which is basic and polar, with tyrosine, which is neutral and polar, at codon 199 of the CARD8 protein (p.His199Tyr). This variant is present in population databases (rs372985137, gnomAD 0.02%). This variant has not been reported in the literature in individuals affected with CARD8-related conditions. An algorithm developed to predict the effect of missense changes on protein structure and function outputs the following: PolyPhen-2: "Benign". The tyrosine amino acid residue is found in multiple mammalian species, which suggests that this missense change does not adversely affect protein function. In summary, the available evidence is currently insufficient to determine the role of this variant in disease. Therefore, it has been classified as a Variant of Uncertain Significance.

NM_001184900.3(CARD8):c.745C>T (p.His249Tyr)

Gene: CARD8 (caspase recruitment domain family member 8; minus strand). Cytogenetic location: 19q13.33.
Variant type: single nucleotide variant.
Coding change: c.745C>T on transcript NM_001184900.3 (MANE Select); coding-DNA position 745, C replaced by T.
Protein change: p.His249Tyr; replaces histidine 249 with tyrosine.
Molecular consequence: missense variant. On other transcripts: non-coding transcript variant (4).
Genome position (GRCh38, 1-based): chr19:48,230,804, G>A on the plus strand (C>T on the coding strand, the complement: CARD8 is on the minus strand). VCF-style: chr19-48230804-G-A. GRCh37 (hg19) VCF-style: chr19-48734061-G-A.
Other names: c.595C>T, p.His199Tyr (NM_001184901.1, NM_001351783.2, NM_001351788.2 and 2 more transcripts); c.745C>T, p.His249Tyr (NM_001184902.2, NM_001184903.1, NM_001351782.2); c.430C>T, p.His144Tyr (NM_001351784.2, NM_001351787.2, NM_001351791.2 and 2 more transcripts); c.409C>T, p.His137Tyr (NM_001351786.2); c.502C>T, p.His168Tyr (NM_001351790.2); short protein forms H144Y, H249Y, H168Y, H199Y, H137Y.
Identifiers: ClinVar variation 4694303 (VCV004694303.1).